The following is an entry in ClinVar:

NM_014423.4(AFF4):c.2219A>G (p.Glu740Gly)

Gene: AFF4 (ALF transcription elongation factor 4; minus strand). Cytogenetic location: 5q31.1.
Variant type: single nucleotide variant.
Coding change: c.2219A>G on transcript NM_014423.4 (MANE Select); coding-DNA position 2219, A replaced by G.
Protein change: p.Glu740Gly; replaces glutamic acid 740 with glycine.
Molecular consequence: missense variant.
Genome position (GRCh38, 1-based): chr5:132,896,411, T>C on the plus strand (A>G on the coding strand, the complement: AFF4 is on the minus strand). VCF-style: chr5-132896411-T-C. GRCh37 (hg19) VCF-style: chr5-132232103-T-C.
Other names: short protein forms E740G.
Identifiers: ClinVar variation 2335809 (VCV002335809.3), dbSNP rs1278586333, ClinGen allele CA360933120.

ClinVar aggregate classification (germline): Uncertain significance. Review status: criteria provided, multiple submitters, no conflicts (2 of 4 stars). 2 submissions from 2 submitters: Uncertain significance (2). Last evaluated 2026-04-12.

Conditions:
AFF4-related disorder. Also called: AFF4-related condition.
Inborn genetic diseases. Identifiers: MedGen C0950123, MeSH D030342.

Allele frequency attached by ClinVar (database versions not stated): gnomAD exomes 0.00001; TOPMed 0.00002.
gnomAD v4.1: 3 of 1,613,954 alleles (0.00019%); highest among the groups gnomAD compares: Admixed American, 0.0033%; no homozygotes.

Submissions (2):

PreventionGenetics, part of Exact Sciences
Classification: Uncertain significance for AFF4-related condition. Last evaluated: 2026-04-12. Review status: criteria provided, single submitter. Criteria: ACMG Guidelines, 2015. Collection method: clinical testing. Allele origin: germline.
Comment: The AFF4 c.2219A>G variant is predicted to result in the amino acid substitution p.Glu740Gly. To our knowledge, this variant has not been reported in the literature. This variant is reported in 0.0062% of alleles in individuals of African descent in gnomAD. At this time, the clinical significance of this variant is uncertain due to the absence of conclusive functional and genetic evidence.

Ambry Genetics
Classification: Uncertain significance for Inborn genetic diseases. Last evaluated: 2022-12-15. Review status: criteria provided, single submitter. Criteria: Ambry Variant Classification Scheme 2023. Collection method: clinical testing. Allele origin: germline.